The following is an entry in ClinVar:

NM_000020.3(ACVRL1):c.615G>A (p.Val205=)

Gene: ACVRL1 (activin A receptor like type 1; plus strand). Cytogenetic location: 12q13.13.
Variant type: single nucleotide variant.
Coding change: c.615G>A on transcript NM_000020.3 (MANE Select); coding-DNA position 615, G replaced by A.
Protein change: p.Val205=; no amino-acid change (valine 205 retained).
Molecular consequence: synonymous variant.
Genome position (GRCh38, 1-based): chr12:51,914,063, G>A. VCF-style: chr12-51914063-G-A. GRCh37 (hg19) VCF-style: chr12-52307847-G-A.
Other names: c.615G>A, p.Val205= (NM_001077401.2).
Identifiers: ClinVar variation 856111 (VCV000856111.9), dbSNP rs1940766632, ClinGen allele CA479806736.
Genomic context (GRCh38, chr12:51,914,063, plus strand): 5'-GAGTGGCTCAGGGCTCCCCTTCCTGGTGCAGAGGACAGTGGCACGGCAGGTTGCCTTGGT[G>A]GAGTGTGTGGGTGAGCAGTGGGTGAGCCCGGTGGATGAGGACCAAGGGCTCTCATGAGCC-3'
Protein context (NP_000011.2, residues 195-215): QRTVARQVAL[Val205=]ECVGKGRYGE

ClinVar aggregate classification (germline): Uncertain significance. Review status: criteria provided, multiple submitters, no conflicts (2 of 4 stars). 2 submissions from 2 submitters: Uncertain significance (2). Last evaluated 2025-06-03.

Conditions:
Telangiectasia, hereditary hemorrhagic, type 2 (HHT2). Also called: ACVRL1-Related Hereditary Hemorrhagic Telangiectasia; Telangiectasia, hereditary hemorrhagic, type II. Identifiers: Orphanet 774, MedGen C1838163, MONDO:0010880, OMIM 600376. Disease mechanism: loss of function.

Submissions (2):

Labcorp Genetics (formerly Invitae), Labcorp
Classification: Uncertain significance for Telangiectasia, hereditary hemorrhagic, type 2. Last evaluated: 2025-06-03. Review status: criteria provided, single submitter. Criteria: Invitae Variant Classification Sherloc (09022015). Collection method: clinical testing. Allele origin: germline.
Comment: This sequence change affects codon 205 of the ACVRL1 mRNA. It is a 'silent' change, meaning that it does not change the encoded amino acid sequence of the ACVRL1 protein. This variant is not present in population databases (gnomAD no frequency). This variant has been observed in individual(s) with clinical features of hereditary hemorrhagic telangiectasia (internal data). ClinVar contains an entry for this variant (Variation ID: 856111). Algorithms developed to predict the effect of sequence changes on RNA splicing suggest that this variant may disrupt the consensus splice site. In summary, the available evidence is currently insufficient to determine the role of this variant in disease. Therefore, it has been classified as a Variant of Uncertain Significance.

ARUP Laboratories, Molecular Genetics and Genomics, ARUP Laboratories
Classification: Uncertain significance for Telangiectasia, hereditary hemorrhagic, type 2. Last evaluated: 2023-10-25. Review status: criteria provided, single submitter. Criteria: ARUP Molecular Germline Variant Investigation Process 2024. Collection method: clinical testing. Allele origin: germline.
Comment: The ACVRL1 c.615G>A; p.Val205= variant (rs1940766632), to our knowledge, is not reported in the medical literature but is reported in ClinVar (Variation ID: 856111). This variant is absent from the Genome Aggregation Database, indicating it is not a common polymorphism. This is a synonymous variant in a weakly conserved nucleotide, but computational analyses (Alamut Visual Plus v.1.5.1, SpliceAI) predict that this variant may impact splicing. Due to limited information, the clinical significance of this variant is uncertain at this time.